The following is an entry in ClinVar:

ClinVar aggregate classification (germline): Uncertain significance (1 of 4 stars; one submission).

Submission:

GeneDx
Classification: Uncertain significance. Last evaluated: 2024-04-03. Review status: criteria provided, single submitter. Criteria: GeneDx Variant Classification Process June 2021. Collection method: clinical testing. Allele origin: germline. Affected: yes.
Comment: Not observed at significant frequency in large population cohorts (gnomAD); In silico analysis supports that this missense variant has a deleterious effect on protein structure/function; Has not been previously published as pathogenic or benign to our knowledge

NM_001606.5(ABCA2):c.494T>G (p.Phe165Cys)

Gene: ABCA2 (ATP binding cassette subfamily A member 2; minus strand). Cytogenetic location: 9q34.3.
Variant type: single nucleotide variant.
Coding change: c.494T>G on transcript NM_001606.5 (MANE Select); coding-DNA position 494, T replaced by G.
Protein change: p.Phe165Cys; replaces phenylalanine 165 with cysteine.
Molecular consequence: missense variant.
Genome position (GRCh38, 1-based): chr9:137,022,424, A>C on the plus strand (T>G on the coding strand, the complement: ABCA2 is on the minus strand). VCF-style: chr9-137022424-A-C. GRCh37 (hg19) VCF-style: chr9-139916876-A-C.
Other names: c.491T>G, p.Phe164Cys (NM_001411042.1); c.584T>G, p.Phe195Cys (NM_212533.3); short protein forms F164C, F165C, F195C.
Identifiers: ClinVar variation 3371999 (VCV003371999.1).